The following is an entry in ClinVar:

NM_014946.4(SPAST):c.1294G>T (p.Glu432Ter)

Gene: SPAST (spastin; plus strand). Cytogenetic location: 2p22.3.
Variant type: single nucleotide variant.
Coding change: c.1294G>T on transcript NM_014946.4 (MANE Select); coding-DNA position 1294, G replaced by T.
Protein change: p.Glu432Ter; replaces glutamic acid 432 with a stop codon.
Molecular consequence: nonsense.
Genome position (GRCh38, 1-based): chr2:32,136,611, G>T. VCF-style: chr2-32136611-G-T. GRCh37 (hg19) VCF-style: chr2-32361680-G-T.
Other names: c.1291G>T, p.Glu431Ter (NM_001363823.2); c.1195G>T, p.Glu399Ter (NM_001363875.2); c.1198G>T, p.Glu400Ter (NM_001377959.1, NM_199436.2); short protein forms E399*, E400*, E431*, E432*.
Identifiers: ClinVar variation 3379374 (VCV003379374.1).

ClinVar aggregate classification (germline): Pathogenic (1 of 4 stars; one submission).

Conditions:
Hereditary spastic paraplegia 4. Also called: Spastic Paraplegia 4; Familial spastic paraplegia autosomal dominant 2; Spastic paraplegia 4, autosomal dominant. Identifiers: Orphanet 100985, MedGen C1866855, MONDO:0008438, OMIM 182601.

Submission:

Institute of Medical Genetics and Applied Genomics, University Hospital Tübingen
Classification: Pathogenic for Hereditary spastic paraplegia 4. Last evaluated: 2024-11-22. Review status: criteria provided, single submitter. Criteria: ACMG Guidelines, 2015. Collection method: clinical testing. Allele origin: germline. Inheritance: Autosomal dominant inheritance. Affected: yes.
Comment: LOF is a known pathomechanism für SPG4 (PMID 11985387, 12490534, 30476002). Evidence for deleterious nonsense variants further downstream (PMID 11843700, 18701882)